The following is an entry in ClinVar:

ClinVar aggregate classification (germline): Uncertain significance (1 of 4 stars; one submission).

Submission:

GeneDx
Classification: Uncertain significance. Last evaluated: 2022-09-18. Review status: criteria provided, single submitter. Criteria: GeneDx Variant Classification Process June 2021. Collection method: clinical testing. Allele origin: germline. Affected: yes.
Comment: Not observed at significant frequency in large population cohorts (gnomAD); In-frame deletion of 5 amino acids in a non-repeat region; In silico analysis supports that this variant does not alter protein structure/function; Has not been previously published as pathogenic or benign to our knowledge

NM_145331.3(MAP3K7):c.1368_1382del (p.Arg456_Pro460del)

Gene: MAP3K7 (mitogen-activated protein kinase kinase kinase 7; minus strand). Cytogenetic location: 6q15.
Variant type: Deletion.
Coding change: c.1368_1382del on transcript NM_145331.3 (MANE Select); coding-DNA positions 1368 to 1382, 15 bases deleted (GTCATCCAGTCCCAG).
Protein change: p.Arg456_Pro460del.
Molecular consequence: inframe deletion.
Genome position (GRCh38, 1-based): chr6:90,523,758-90,523,772, CTGGGACTGGATGAC deleted on the plus strand (GTCATCCAGTCCCAG on the coding strand, the reverse complement: MAP3K7 is on the minus strand); deleting any 15 consecutive bases within chr6:90,523,758-90,523,774 gives the same sequence; the c. name uses the placement nearest the transcript's 3' end. VCF-style (leftmost placement, unchanged base first): chr6-90523757-ACTGGGACTGGATGAC-A. GRCh37 (hg19) VCF-style: chr6-91233476-ACTGGGACTGGATGAC-A.
Other names: c.1287_1301del, p.Arg429_Pro433del (NM_003188.4, NM_145333.3); c.1368_1382del, p.Arg456_Pro460del (NM_145332.3).
Identifiers: ClinVar variation 2444794 (VCV002444794.1), dbSNP rs2534256410, ClinGen allele CA2580075967.